The following is an entry in ClinVar:

ClinVar aggregate classification (germline): Uncertain significance. Review status: criteria provided, multiple submitters, no conflicts (2 of 4 stars). 2 submissions from 2 submitters: Uncertain significance (2). Last evaluated 2024-01-04.

Conditions:
Epileptic encephalopathy. Identifiers: MedGen C0543888, HP:0200134.

Allele frequency attached by ClinVar (database versions not stated): gnomAD exomes 0.00007 and 0.00016; ExAC 0.00020; 1000 Genomes Project 0.00040; 1000 Genomes Project 30x 0.00047.
gnomAD v4.1: 113 of 1,614,018 alleles (0.007%); highest among the groups gnomAD compares: South Asian, 0.12%; 1 homozygote.

Submissions (2):

Ambry Genetics
Classification: Uncertain significance. Last evaluated: 2024-01-04. Review status: criteria provided, single submitter. Criteria: Ambry Variant Classification Scheme 2023. Collection method: clinical testing. Allele origin: germline.

Labcorp Genetics (formerly Invitae), Labcorp
Classification: Uncertain significance for Epileptic encephalopathy. Last evaluated: 2021-09-01. Review status: criteria provided, single submitter. Criteria: Invitae Variant Classification Sherloc (09022015). Collection method: clinical testing. Allele origin: germline.
Comment: This sequence change replaces alanine with proline at codon 3968 of the RYR3 protein (p.Ala3968Pro). The alanine residue is highly conserved and there is a small physicochemical difference between alanine and proline. This variant is present in population databases (rs577747200, ExAC 0.1%). This variant has not been reported in the literature in individuals affected with RYR3-related conditions. Algorithms developed to predict the effect of missense changes on protein structure and function are either unavailable or do not agree on the potential impact of this missense change (SIFT: "Deleterious"; PolyPhen-2: "Benign"; Align-GVGD: "Class C0"). In summary, the available evidence is currently insufficient to determine the role of this variant in disease. Therefore, it has been classified as a Variant of Uncertain Significance.

NM_001036.6(RYR3):c.11902G>C (p.Ala3968Pro)

Gene: RYR3 (ryanodine receptor 3; plus strand). Cytogenetic location: 15q14.
Variant type: single nucleotide variant.
Coding change: c.11902G>C on transcript NM_001036.6 (MANE Select); coding-DNA position 11902, G replaced by C.
Protein change: p.Ala3968Pro; replaces alanine 3968 with proline.
Molecular consequence: missense variant.
Genome position (GRCh38, 1-based): chr15:33,837,882, G>C. VCF-style: chr15-33837882-G-C. GRCh37 (hg19) VCF-style: chr15-34130083-G-C.
Other names: c.11887G>C, p.Ala3963Pro (NM_001243996.4); c.11902G>C (NM_001036.3); short protein forms A3963P, A3968P.
Identifiers: ClinVar variation 956922 (VCV000956922.8), dbSNP rs577747200, ClinGen allele CA7461315.